The following is an entry in ClinVar:

ClinVar aggregate classification (germline): Pathogenic. Review status: criteria provided, multiple submitters, no conflicts (2 of 4 stars). 2 submissions from 2 submitters: Pathogenic (2). Last evaluated 2021-07-28.

Conditions:
Malan overgrowth syndrome (MALNS). Also called: MALAN SYNDROME; Sotos syndrome 2; NFIX-Related Malan Syndrome. Identifiers: Orphanet 420179, MedGen C3553660, MONDO:0013885, OMIM 614753.
Marshall-Smith syndrome (MRSHSS). Identifiers: Orphanet 561, MedGen C0265211, MONDO:0011244, OMIM 602535.

Submissions (2):

Labcorp Genetics (formerly Invitae), Labcorp
Classification: Pathogenic for Malan overgrowth syndrome; Marshall-Smith syndrome. Last evaluated: 2021-07-28. Review status: criteria provided, single submitter. Criteria: Invitae Variant Classification Sherloc (09022015). Collection method: clinical testing. Allele origin: germline.
Comment: For these reasons, this variant has been classified as Pathogenic. This variant has not been reported in the literature in individuals affected with NFIX-related conditions. This sequence change creates a premature translational stop signal (p.Gln204*) in the NFIX gene. It is expected to result in an absent or disrupted protein product. Loss-of-function variants in NFIX are known to be pathogenic (PMID: 20673863, 20949508, 24924640, 25118028). This variant is not present in population databases (ExAC no frequency).

New York Genome Center
Classification: Pathogenic for Malan overgrowth syndrome. Last evaluated: 2021-04-01. Review status: criteria provided, single submitter. Criteria: NYGC Assertion Criteria 2020. Collection method: clinical testing. Allele origin: de novo. Observed: 1 heterozygote. Study: CSER-NYCKidSeq.
Comment: The de novo heterozygous c.610C>T (p.Gln204Ter) stop-gained variant identified in exon 3 (of 11) of the NFIX gene has not been reported in affected individuals in the literature. The variant creates a premature translation termination codon in exon 3 of the NFIX gene and is predicted to cause loss of normal protein function either through protein truncation or nonsense-mediated mRNA decay. Loss of function is the proposed mechanism of disease for Sotos syndrome 2/Malan syndrome [PMID: 29897170]. The variant is absent from the gnomAD(v3) database suggesting it is not a common benign variant in the populations represented in that database. Based on the available evidence, the de novo c.610C>T (p.Gln204Ter) stop-gained variant identified in the NFIX gene is reported as Pathogenic.

Literature cited by the submitters: PubMed 20673863 (cited by Labcorp Genetics (formerly Invitae), Labcorp); PubMed 20949508 (cited by Labcorp Genetics (formerly Invitae), Labcorp); PubMed 24924640 (cited by Labcorp Genetics (formerly Invitae), Labcorp); PubMed 25118028 (cited by Labcorp Genetics (formerly Invitae), Labcorp).

NM_001365902.3(NFIX):c.586C>T (p.Gln196Ter)

Gene: NFIX (nuclear factor I X; plus strand). Cytogenetic location: 19p13.13.
Variant type: single nucleotide variant.
Coding change: c.586C>T on transcript NM_001365902.3 (MANE Select); coding-DNA position 586, C replaced by T.
Protein change: p.Gln196Ter; replaces glutamine 196 with a stop codon.
Molecular consequence: nonsense.
Genome position (GRCh38, 1-based): chr19:13,073,073, C>T. VCF-style: chr19-13073073-C-T. GRCh37 (hg19) VCF-style: chr19-13183887-C-T.
Other names: c.610C>T, p.Gln204Ter (NM_001271043.2); c.562C>T, p.Gln188Ter (NM_001271044.3, NM_001378404.1); c.586C>T, p.Gln196Ter (NM_001365982.2, NM_002501.4); c.445C>T, p.Gln149Ter (NM_001365983.2); c.583C>T, p.Gln195Ter (NM_001365984.2, NM_001365985.2); c.634C>T, p.Gln212Ter (NM_001378405.1); short protein forms Q149*, Q188*, Q195*, Q196*, Q204*, Q212*.
Identifiers: ClinVar variation 1342494 (VCV001342494.7), dbSNP rs2145430763, ClinGen allele CA404293616.
Genomic context (GRCh38, chr19:13,073,073, plus strand): 5'-CCTGATACATTCTCCCCTTTTGTGTCTCCTGCAGAATCCGGACAATCAGATAGTTCAAAC[C>T]AGCAAGGAGATGCGGACATCAAACCACTGCCCAACGGTCAGTGCCCCCCACCTGCCCAGC-3'